The following is an entry in ClinVar:

NM_000128.4(F11):c.644_649del (p.Ile215_Asp216del)

Gene: F11 (coagulation factor XI; plus strand). Cytogenetic location: 4q35.2.
Variant type: Deletion.
Coding change: c.644_649del on transcript NM_000128.4 (MANE Select); coding-DNA positions 644 to 649, 6 bases deleted (TCGACA; older notation c.644_649delTCGACA).
Protein change: p.Ile215_Asp216del.
Molecular consequence: inframe deletion.
Genome position (GRCh38, 1-based): chr4:186,276,279-186,276,284, TCGACA deleted; deleting any 6 consecutive bases within chr4:186,276,276-186,276,284 gives the same sequence; the c. name uses the placement nearest the transcript's 3' end. VCF-style (leftmost placement, unchanged base first): chr4-186276275-AACATCG-A. GRCh37 (hg19) VCF-style: chr4-187197429-AACATCG-A.
Other names: c.644_649delTCGACA (NM_000128.4); c.644_649del6 (NM_000128.3).
Identifiers: ClinVar variation 558063 (VCV000558063.4), dbSNP rs1459304265, ClinGen allele CA557396098.

ClinVar aggregate classification (germline): Pathogenic/Likely pathogenic. Review status: criteria provided, multiple submitters, no conflicts (2 of 4 stars). 3 submissions from 3 submitters: Pathogenic (1); Likely pathogenic (1). 1 of the submissions does not count toward it. Last evaluated 2025-03-27.

Conditions:
Hereditary factor XI deficiency disease. Also called: Congenital factor XI deficiency; PLASMA THROMBOPLASTIN ANTECEDENT DEFICIENCY; PTA DEFICIENCY; ROSENTHAL SYNDROME. Identifiers: Orphanet 329, MedGen C0015523, MeSH D005173, MONDO:0012897, OMIM 612416.

Submissions (3):

Myriad Genetics, Inc.
Classification: Likely pathogenic for Hereditary factor XI deficiency disease. Last evaluated: 2025-03-27. Review status: criteria provided, single submitter. Criteria: Myriad Autosomal Dominant, Autosomal Recessive and X-Linked Classification Criteria (2023). Collection method: clinical testing. Allele origin: unknown.
Comment: NM_000128.3(F11):c.644_649del6(I215_D216del) is an in-frame deletion classified as likely pathogenic in the context of factor XI deficiency. I215_D216del has been observed in cases with relevant disease (PMID: 15531455, 18005151, 16519703, 23305485, Odnoczko_2013_(abstract), Pshenichnikova_2022_(article)). Relevant functional assessments of this variant are available in the literature (PMID: 15531455). Internal structural analysis of the variant is supportive of pathogenicity. I215_D216del has not been observed in referenced population frequency databases. In summary, NM_000128.3(F11):c.644_649del6(I215_D216del) is an in-frame deletion that has both functional and internal structural support for pathogenicity and has been observed more frequently in cases with the relevant disease than in healthy populations. Please note: this variant was assessed in the context of healthy population screening.

Women's Health and Genetics/Laboratory Corporation of America, LabCorp
Classification: Pathogenic for Hereditary factor XI deficiency disease. Last evaluated: 2023-11-16. Review status: criteria provided, single submitter. Criteria: LabCorp Variant Classification Summary - May 2015. Collection method: clinical testing. Allele origin: germline.
Comment: Variant summary: F11 c.644_649delTCGACA (p.Ile215_Asp216del) results in an in-frame deletion that is predicted to remove two amino acids from the encoded protein. The variant was absent in 251372 control chromosomes (gnomAD v2 Exomes dataset). c.644_649delTCGACA has been reported in the literature in at least one compound heterozygous as well as several heterozygous individuals affected with Hereditary factor XI deficiency disease (e.g., Zadra_2004, Dossenbach-Glaninger_2006, Fard-Esfahani_2007, Bicocchi_2013, Najm_2018). These data indicate that the variant is likely to be associated with disease. At least one publication reports experimental evidence evaluating an impact on protein function, finding that the variant results in <1% FXI coagulant activity and 17% FXI antigen levels relative to wild-type in conditioned media in vitro, which is likely due to impaired folding and secretion (e.g., Zadra_2004). Additionally, co-transfection with the wild-type and variant proteins only partially rescued secreted antigen levels to approximately 63% suggesting a potential dominant-negative impact of the variant (Zadra_2004). The following publications have been ascertained in the context of this evaluation (PMID: 23305485, 16519703, 18005151, 30261521, 15531455). One submitter has reported clinical-significance assessments for this variant to ClinVar after 2014 and has classified the variant as pathogenic/likely pathogenic. Based on the evidence outlined above, the variant was classified as pathogenic.

Counsyl
Classification: Likely pathogenic for Hereditary factor XI deficiency disease. Last evaluated: 2018-04-26. Review status: no assertion criteria provided. Collection method: clinical testing. Allele origin: unknown. Not counted in ClinVar's aggregate classification.

Literature cited by the submitters: PubMed 15531455 (cited by 3 submitters); PubMed 23305485 (cited by Women's Health and Genetics/Laboratory Corporation of America, LabCorp and Counsyl); PubMed 16519703 (cited by Women's Health and Genetics/Laboratory Corporation of America, LabCorp and Counsyl); PubMed 18005151 (cited by Women's Health and Genetics/Laboratory Corporation of America, LabCorp and Counsyl); PubMed 30261521 (cited by Women's Health and Genetics/Laboratory Corporation of America, LabCorp).